The following is an entry in ClinVar:

ClinVar aggregate classification (germline): Uncertain significance (1 of 4 stars; one submission).

Conditions:
Epilepsy, childhood absence, susceptibility to, 1. Also called: Epilepsy, childhood absence 1. Identifiers: Orphanet 64280, MedGen C1838604, MONDO:0020759, OMIM 600131.
Epilepsy, childhood absence, susceptibility to, 5. Identifiers: Orphanet 64280, MedGen C2677087, MONDO:0012843, OMIM 612269.

Allele frequency attached by ClinVar (database versions not stated): TOPMed below 0.00001; gnomAD 0.00001.
gnomAD v4.1: 1 of 1,614,040 alleles (0.000062%); highest among the groups gnomAD compares: African/African-American, 0.0013%; no homozygotes.

Submission:

Labcorp Genetics (formerly Invitae), Labcorp
Classification: Uncertain significance for Epilepsy, childhood absence, susceptibility to, 5; Epilepsy, childhood absence, susceptibility to, 1. Last evaluated: 2023-04-25. Review status: criteria provided, single submitter. Criteria: Invitae Variant Classification Sherloc (09022015). Collection method: clinical testing. Allele origin: germline.
Comment: In summary, the available evidence is currently insufficient to determine the role of this variant in disease. Therefore, it has been classified as a Variant of Uncertain Significance. Advanced modeling of protein sequence and biophysical properties (such as structural, functional, and spatial information, amino acid conservation, physicochemical variation, residue mobility, and thermodynamic stability) performed at Invitae indicates that this missense variant is not expected to disrupt GABRB3 protein function. This variant has not been reported in the literature in individuals affected with GABRB3-related conditions. This variant is not present in population databases (gnomAD no frequency). This sequence change replaces leucine, which is neutral and non-polar, with valine, which is neutral and non-polar, at codon 435 of the GABRB3 protein (p.Leu435Val).

NM_000814.6(GABRB3):c.1303C>G (p.Leu435Val)

Gene: GABRB3 (gamma-aminobutyric acid type A receptor subunit beta3; minus strand). Cytogenetic location: 15q12.
Variant type: single nucleotide variant.
Coding change: c.1303C>G on transcript NM_000814.6 (MANE Select); coding-DNA position 1303, C replaced by G.
Protein change: p.Leu435Val; replaces leucine 435 with valine.
Molecular consequence: missense variant.
Genome position (GRCh38, 1-based): chr15:26,547,912, G>C on the plus strand (C>G on the coding strand, the complement: GABRB3 is on the minus strand). VCF-style: chr15-26547912-G-C. GRCh37 (hg19) VCF-style: chr15-26793059-G-C.
Other names: c.1048C>G, p.Leu350Val (NM_001191320.2, NM_001278631.2); c.1090C>G, p.Leu364Val (NM_001191321.3); c.1303C>G, p.Leu435Val (NM_021912.5); short protein forms L364V, L435V, L350V.
Identifiers: ClinVar variation 2947130 (VCV002947130.3), dbSNP rs1387838469, ClinGen allele CA391458654.